The following is an entry in ClinVar:

ClinVar aggregate classification (germline): Uncertain significance. Review status: criteria provided, multiple submitters, no conflicts (2 of 4 stars). 5 submissions from 5 submitters: Uncertain significance (5). Last evaluated 2023-11-09.

Conditions:
Hereditary cancer-predisposing syndrome. Also called: Tumor predisposition; Neoplastic Syndromes, Hereditary; Hereditary neoplastic syndrome; Hereditary Cancer Syndrome. Identifiers: Orphanet 140162, MedGen C0027672, MeSH D009386, MONDO:0015356.
Endometrial carcinoma. Also called: Endometrial carcinoma, somatic. Identifiers: MedGen C0476089, MONDO:0002447, OMIM 608089, HP:0012114.

Submissions (5):

Baylor Genetics
Classification: Uncertain significance for Endometrial carcinoma. Last evaluated: 2023-11-09. Review status: criteria provided, single submitter. Criteria: ACMG Guidelines, 2015. Collection method: clinical testing. Allele origin: unknown.

Labcorp Genetics (formerly Invitae), Labcorp
Classification: Uncertain significance. Last evaluated: 2022-08-22. Review status: criteria provided, single submitter. Criteria: Invitae Variant Classification Sherloc (09022015). Collection method: clinical testing. Allele origin: germline.
Comment: This sequence change replaces lysine, which is basic and polar, with isoleucine, which is neutral and non-polar, at codon 381 of the MSH3 protein (p.Lys381Ile). This variant is not present in population databases (gnomAD no frequency). This variant has not been reported in the literature in individuals affected with MSH3-related conditions. ClinVar contains an entry for this variant (Variation ID: 1019018). Algorithms developed to predict the effect of missense changes on protein structure and function are either unavailable or do not agree on the potential impact of this missense change (SIFT: "Tolerated"; PolyPhen-2: "Possibly Damaging"; Align-GVGD: "Class C0"). In summary, the available evidence is currently insufficient to determine the role of this variant in disease. Therefore, it has been classified as a Variant of Uncertain Significance.

GeneDx
Classification: Uncertain significance. Last evaluated: 2022-07-31. Review status: criteria provided, single submitter. Criteria: GeneDx Variant Classification Process June 2021. Collection method: clinical testing. Allele origin: germline. Affected: yes.
Comment: Not observed at significant frequency in large population cohorts (gnomAD); In silico analysis supports that this missense variant has a deleterious effect on protein structure/function; Has not been previously published as pathogenic or benign to our knowledge

Sema4
Classification: Uncertain significance for Hereditary cancer-predisposing syndrome. Last evaluated: 2022-03-16. Review status: criteria provided, single submitter. Criteria: Sema4 Curation Guidelines. Collection method: curation. Allele origin: germline.
Comment: The MSH3 c.1142A>T (p.K381I) variant has not been reported in the literature to our knowledge. This variant is not reported in the population database Genome Aggregation Database (PMID 32461654). The variant has been reported in ClinVar (Variation ID 1019018). Functional studies have not been performed, and in silico predictions of the variant's effect on protein function are inconclusive. The evidence is insufficient to meet ACMG/AMP criteria for classifying the variant as benign or pathogenic. Thus, the clinical significance of this variant is currently uncertain.

Ambry Genetics
Classification: Uncertain significance for Hereditary cancer-predisposing syndrome. Last evaluated: 2022-02-26. Review status: criteria provided, single submitter. Criteria: Ambry Variant Classification Scheme 2023. Collection method: clinical testing. Allele origin: germline.
Comment: The p.K381I variant (also known as c.1142A>T), located in coding exon 7 of the MSH3 gene, results from an A to T substitution at nucleotide position 1142. The lysine at codon 381 is replaced by isoleucine, an amino acid with dissimilar properties. This amino acid position is conserved. In addition, the in silico prediction for this alteration is inconclusive. Since supporting evidence is limited at this time, the clinical significance of this alteration remains unclear.

NM_002439.5(MSH3):c.1142A>T (p.Lys381Ile)

Gene: MSH3 (mutS homolog 3; plus strand). Cytogenetic location: 5q14.1.
Variant type: single nucleotide variant.
Coding change: c.1142A>T on transcript NM_002439.5 (MANE Select); coding-DNA position 1142, A replaced by T.
Protein change: p.Lys381Ile; replaces lysine 381 with isoleucine.
Molecular consequence: missense variant.
Genome position (GRCh38, 1-based): chr5:80,675,097, A>T. VCF-style: chr5-80675097-A-T. GRCh37 (hg19) VCF-style: chr5-79970916-A-T.
Other names: short protein forms K381I.
Identifiers: ClinVar variation 1019018 (VCV001019018.9), dbSNP rs1749811015, ClinGen allele CA360268261.
Genomic context (GRCh38, chr5:80,675,097, plus strand): 5'-CTGATACTTCTACCAGCTATCTTCTGTGCATCTCTGAAAATAAGGAAAATGTTAGGGACA[A>T]AAAAAAGGGCAACATTTTTATTGGCATTGTGGTAAGTACTTTGCAGGTGAGGAACAAATG-3'
Protein context (NP_002430.3, residues 371-391): ISENKENVRD[Lys381Ile]KKGNIFIGIV